The following is an entry in ClinVar:

ClinVar aggregate classification (germline): Likely benign (1 of 4 stars; one submission).

Conditions:
ABCC12-related condition.

gnomAD v4.1: 44,519 of 1,614,062 alleles (2.8%); highest among the groups gnomAD compares: Middle Eastern, 3.9%; 733 homozygotes.

Submission:

PreventionGenetics, part of Exact Sciences
Classification: Likely benign for ABCC12-related condition. Last evaluated: 2025-11-30. Review status: criteria provided, single submitter. Criteria: ACMG Guidelines, 2015. Collection method: clinical testing. Allele origin: germline.
Comment: This variant is classified as likely benign based on ACMG/AMP sequence variant interpretation guidelines (Richards et al. 2015 PMID: 25741868, with internal and published modifications).

NM_001393797.1(ABCC12):c.3071G>A (p.Trp1024Ter)

Gene: ABCC12 (ATP binding cassette subfamily C member 12; minus strand). Cytogenetic location: 16q12.1.
Variant type: single nucleotide variant.
Coding change: c.3071G>A on transcript NM_001393797.1 (MANE Select); coding-DNA position 3071, G replaced by A.
Protein change: p.Trp1024Ter; replaces tryptophan 1024 with a stop codon.
Molecular consequence: nonsense. On other transcripts: non-coding transcript variant (6).
Genome position (GRCh38, 1-based): chr16:48,096,870, C>T on the plus strand (G>A on the coding strand, the complement: ABCC12 is on the minus strand). VCF-style: chr16-48096870-C-T. GRCh37 (hg19) VCF-style: chr16-48130781-C-T.
Other names: c.3071G>A, p.Trp1024Ter (NM_033226.3); short protein forms W1024*.
Identifiers: ClinVar variation 4980225 (VCV004980225.1).